The following is an entry in ClinVar:

ClinVar aggregate classification (germline): Conflicting classifications of pathogenicity. Review status: criteria provided, conflicting classifications (1 of 4 stars). 6 submissions from 6 submitters: Uncertain significance (1); Benign (3); Likely benign (2). Last evaluated 2026-04-06.

Conditions:
Cardiovascular phenotype. Identifiers: MedGen CN230736.

Allele frequency attached by ClinVar (database versions not stated): TOPMed 0.00522; 1000 Genomes Project 0.00539; 1000 Genomes Project 30x 0.00578; ExAC 0.00117; gnomAD 0.00460 and 0.00490; gnomAD exomes 0.00096.
gnomAD v4.1: 1,438 of 1,550,034 alleles (0.093%); highest among the groups gnomAD compares: African/African-American, 1.6%; 19 homozygotes.

Submissions (6):

Women's Health and Genetics/Laboratory Corporation of America, LabCorp
Classification: Likely benign. Last evaluated: 2026-04-06. Review status: criteria provided, single submitter. Criteria: LabCorp Variant Classification Summary - May 2015. Collection method: clinical testing. Allele origin: germline.

Labcorp Genetics (formerly Invitae), Labcorp
Classification: Benign. Last evaluated: 2026-02-04. Review status: criteria provided, single submitter. Criteria: Invitae Variant Classification Sherloc (09022015). Collection method: clinical testing. Allele origin: germline.

Mayo Clinic Laboratories, Mayo Clinic
Classification: Benign. Last evaluated: 2025-02-14. Review status: criteria provided, single submitter. Criteria: ACMG Guidelines, 2015. Collection method: clinical testing. Allele origin: germline. Observed: 3 variant alleles.
Comment: BS1, BS2, BP4, BP7

Ambry Genetics
Classification: Likely benign for Cardiovascular phenotype. Last evaluated: 2020-10-07. Review status: criteria provided, single submitter. Criteria: Ambry Variant Classification Scheme 2023. Collection method: clinical testing. Allele origin: germline.

GeneDx
Classification: Benign. Last evaluated: 2019-09-12. Review status: criteria provided, single submitter. Criteria: GeneDx Variant Classification Process June 2021. Collection method: clinical testing. Allele origin: germline. Affected: yes.

Eurofins Ntd Llc (ga)
Classification: Uncertain significance. Last evaluated: 2016-02-11. Review status: criteria provided, single submitter. Criteria: EGL Classification Definitions 2015. Collection method: clinical testing. Allele origin: germline. Observed: 1 variant allele, 1 heterozygote.

NM_001367624.2(ZNF469):c.11277C>T (p.Ser3759=)

Gene: ZNF469 (zinc finger protein 469; plus strand). Cytogenetic location: 16q24.2.
Variant type: single nucleotide variant.
Coding change: c.11277C>T on transcript NM_001367624.2 (MANE Select); coding-DNA position 11277, C replaced by T.
Protein change: p.Ser3759=; no amino-acid change (serine 3759 retained).
Molecular consequence: synonymous variant.
Genome position (GRCh38, 1-based): chr16:88,438,747, C>T. VCF-style: chr16-88438747-C-T. GRCh37 (hg19) VCF-style: chr16-88505155-C-T.
Other names: NM_001127464.1:c.11193C>T; p.Ser3759=.
Identifiers: ClinVar variation 286111 (VCV000286111.20), dbSNP rs372634401, ClinGen allele CA8225595.